The following is an entry in ClinVar:

ClinVar aggregate classification (germline): Uncertain significance. Review status: criteria provided, multiple submitters, no conflicts (2 of 4 stars). 2 submissions from 2 submitters: Uncertain significance (2). Last evaluated 2024-07-23.

Conditions:
Hereditary cancer-predisposing syndrome. Also called: Neoplastic Syndromes, Hereditary; Hereditary Cancer Syndrome; Tumor predisposition; Hereditary neoplastic syndrome. Identifiers: Orphanet 140162, MedGen C0027672, MeSH D009386, MONDO:0015356.
Tuberous sclerosis 2 (TSC2). Identifiers: Orphanet 805, MedGen C1860707, MONDO:0013199, OMIM 613254.

Allele frequency attached by ClinVar (database versions not stated): gnomAD exomes below 0.00001.

Submissions (2):

Ambry Genetics
Classification: Uncertain significance for Hereditary cancer-predisposing syndrome. Last evaluated: 2024-07-23. Review status: criteria provided, single submitter. Criteria: Ambry Variant Classification Scheme 2023. Collection method: clinical testing. Allele origin: germline.
Comment: The p.P961S variant (also known as c.2881C>T), located in coding exon 25 of the TSC2 gene, results from a C to T substitution at nucleotide position 2881. The proline at codon 961 is replaced by serine, an amino acid with similar properties. This amino acid position is not well conserved in available vertebrate species. In addition, the in silico prediction for this alteration is inconclusive. Based on the available evidence, the clinical significance of this variant remains unclear.

Labcorp Genetics (formerly Invitae), Labcorp
Classification: Uncertain significance for Tuberous sclerosis 2. Last evaluated: 2020-06-09. Review status: criteria provided, single submitter. Criteria: Invitae Variant Classification Sherloc (09022015). Collection method: clinical testing. Allele origin: germline.
Comment: This sequence change replaces proline with serine at codon 961 of the TSC2 protein (p.Pro961Ser). The proline residue is weakly conserved and there is a moderate physicochemical difference between proline and serine. This variant is not present in population databases (ExAC no frequency). This variant has not been reported in the literature in individuals with TSC2-related conditions. Algorithms developed to predict the effect of missense changes on protein structure and function (SIFT, PolyPhen-2, Align-GVGD) all suggest that this variant is likely to be tolerated, but these predictions have not been confirmed by published functional studies and their clinical significance is uncertain. In summary, the available evidence is currently insufficient to determine the role of this variant in disease. Therefore, it has been classified as a Variant of Uncertain Significance.

NM_000548.5(TSC2):c.2881C>T (p.Pro961Ser)

Gene: TSC2 (TSC complex subunit 2; plus strand). Cytogenetic location: 16p13.3.
Variant type: single nucleotide variant.
Coding change: c.2881C>T on transcript NM_000548.5 (MANE Select); coding-DNA position 2881, C replaced by T.
Protein change: p.Pro961Ser; replaces proline 961 with serine.
Molecular consequence: missense variant. On other transcripts: intron variant (9).
Genome position (GRCh38, 1-based): chr16:2,077,641, C>T. VCF-style: chr16-2077641-C-T. GRCh37 (hg19) VCF-style: chr16-2127642-C-T.
Other names: c.2881C>T, p.Pro961Ser (NM_001114382.3); c.2837+1056C>T (NM_021055.3, NM_001370405.1, NM_001363528.2 and 2 more transcripts); c.2726+1056C>T (NM_001318827.2); c.2237+1056C>T (NM_001318831.2); c.2690+1056C>T (NM_001318829.2); c.2870+1056C>T (NM_001318832.2); c.2881C>T (NM_000548.3); short protein forms P961S.
Identifiers: ClinVar variation 1036741 (VCV001036741.9), dbSNP rs2089584361, ClinGen allele CA394281010.